The following is an entry in ClinVar:

ClinVar aggregate classification (germline): Conflicting classifications of pathogenicity. Review status: criteria provided, conflicting classifications (1 of 4 stars). 3 submissions from 3 submitters: Uncertain significance (1); Benign (1); Likely benign (1). Last evaluated 2025-07-31.

Conditions:
Inborn genetic diseases. Identifiers: MedGen C0950123, MeSH D030342.

Allele frequency attached by ClinVar (database versions not stated): ExAC 0.00003; TOPMed 0.00009; gnomAD 0.00013 and 0.00014; ESP Exome Variant Server 0.00015.
gnomAD v4.1: 38 of 1,613,506 alleles (0.0024%); highest among the groups gnomAD compares: African/African-American, 0.041%; no homozygotes.

Submissions (3):

Ambry Genetics
Classification: Likely benign for Inborn genetic diseases. Last evaluated: 2025-07-31. Review status: criteria provided, single submitter. Criteria: Ambry Variant Classification Scheme 2023. Collection method: clinical testing. Allele origin: germline.

Labcorp Genetics (formerly Invitae), Labcorp
Classification: Benign. Last evaluated: 2024-03-20. Review status: criteria provided, single submitter. Criteria: Invitae Variant Classification Sherloc (09022015). Collection method: clinical testing. Allele origin: germline.

GeneDx
Classification: Uncertain significance. Last evaluated: 2017-03-15. Review status: criteria provided, single submitter. Criteria: GeneDx Variant Classification (06012015). Collection method: clinical testing. Allele origin: germline. Affected: yes.
Comment: To our knowledge, the K209N variant in the ABCA12 gene has not been reported previously as a pathogenic variant, nor as a benign variant. The K209N variant is not observed at a significant frequency in large population cohorts (Lek et al., 2016; 1000 Genomes Consortium et al., 2015; Exome Variant Server). It is a semi-conservative amino acid substitution, which may impact secondary protein structure as these residues differ in some properties. However, this substitution occurs at a position that is not conserved and in silico analysis is inconsistent in its predictions as to whether or not the variant is damaging to the protein structure/function. Additionally, no other nearby missense variants have been reported in the Human Gene Mutation Database (Stenson et al., 2014). Therefore, we interpret K209N as a variant of uncertain significance.

NM_173076.3(ABCA12):c.627A>C (p.Lys209Asn)

Gene: ABCA12 (ATP binding cassette subfamily A member 12; minus strand). Cytogenetic location: 2q35.
Variant type: single nucleotide variant.
Coding change: c.627A>C on transcript NM_173076.3 (MANE Select); coding-DNA position 627, A replaced by C.
Protein change: p.Lys209Asn; replaces lysine 209 with asparagine.
Molecular consequence: missense variant. On other transcripts: non-coding transcript variant (1).
Genome position (GRCh38, 1-based): chr2:215,049,692, T>G on the plus strand (A>C on the coding strand, the complement: ABCA12 is on the minus strand). VCF-style: chr2-215049692-T-G. GRCh37 (hg19) VCF-style: chr2-215914416-T-G.
Other names: short protein forms K209N.
Identifiers: ClinVar variation 424273 (VCV000424273.6), dbSNP rs149882663, ClinGen allele CA2092485.